The following is an entry in ClinVar:

NM_005619.5(RTN2):c.71C>A (p.Ser24Tyr)

Genes: OPA3-RTN2 (OPA3-RTN2 readthrough; minus strand), RTN2 (reticulon 2; minus strand). Cytogenetic location: 19q13.32.
Variant type: single nucleotide variant.
Coding change: c.71C>A on transcript NM_005619.5 (MANE Select); coding-DNA position 71, C replaced by A.
Protein change: p.Ser24Tyr; replaces serine 24 with tyrosine.
Molecular consequence: missense variant.
Genome position (GRCh38, 1-based): chr19:45,495,103, G>T on the plus strand (C>A on the coding strand, the complement: RTN2 is on the minus strand). VCF-style: chr19-45495103-G-T. GRCh37 (hg19) VCF-style: chr19-45998361-G-T.
Other names: c.71C>A, p.Ser24Tyr (NM_206900.3); short protein forms S24Y.
Identifiers: ClinVar variation 3731158 (VCV003731158.2).

ClinVar aggregate classification (germline): Uncertain significance (1 of 4 stars; one submission).

Submission:

GeneDx
Classification: Uncertain significance. Last evaluated: 2026-09-01. Review status: criteria provided, single submitter. Criteria: GeneDx Variant Classification Process June 2021. Collection method: clinical testing. Allele origin: germline.
Comment: Not observed at significant frequency in large population cohorts (gnomAD); In silico analysis indicates that this missense variant does not alter protein structure/function; Has not been previously published as pathogenic or benign to our knowledge